The following is an entry in ClinVar:

ClinVar aggregate classification (germline): Uncertain significance. Review status: criteria provided, multiple submitters, no conflicts (2 of 4 stars). 2 submissions from 2 submitters: Uncertain significance (2). Last evaluated 2024-11-23.

Conditions:
Leukocyte adhesion deficiency 1 (LAD1). Also called: LEUKOCYTE ADHESION DEFICIENCY, TYPE I; LAD 1; Lymphocyte function-associated antigen 1 immunodeficiency; LFA 1 immunodeficiency. Identifiers: Orphanet 2968, Orphanet 99842, MedGen C0398738, MONDO:0007293, OMIM 116920.
Inborn genetic diseases. Identifiers: MedGen C0950123, MeSH D030342.

Allele frequency attached by ClinVar (database versions not stated): ExAC 0.00001; gnomAD 0.00001; gnomAD exomes 0.00001; TOPMed 0.00001.
gnomAD v4.1: 16 of 1,613,470 alleles (0.00099%); highest among the groups gnomAD compares: African/African-American, 0.0027%; no homozygotes.

Submissions (2):

Ambry Genetics
Classification: Uncertain significance for Inborn genetic diseases. Last evaluated: 2024-11-23. Review status: criteria provided, single submitter. Criteria: Ambry Variant Classification Scheme 2023. Collection method: clinical testing. Allele origin: germline.

Labcorp Genetics (formerly Invitae), Labcorp
Classification: Uncertain significance for Leukocyte adhesion deficiency 1. Last evaluated: 2022-07-13. Review status: criteria provided, single submitter. Criteria: Invitae Variant Classification Sherloc (09022015). Collection method: clinical testing. Allele origin: germline.
Comment: This sequence change replaces valine, which is neutral and non-polar, with methionine, which is neutral and non-polar, at codon 709 of the ITGB2 protein (p.Val709Met). This variant is present in population databases (rs775809970, gnomAD 0.006%). This variant has not been reported in the literature in individuals affected with ITGB2-related conditions. ClinVar contains an entry for this variant (Variation ID: 950517). Algorithms developed to predict the effect of missense changes on protein structure and function are either unavailable or do not agree on the potential impact of this missense change (SIFT: "Deleterious"; PolyPhen-2: "Possibly Damaging"; Align-GVGD: "Class C15"). In summary, the available evidence is currently insufficient to determine the role of this variant in disease. Therefore, it has been classified as a Variant of Uncertain Significance.

NM_000211.5(ITGB2):c.2125G>A (p.Val709Met)

Gene: ITGB2 (integrin subunit beta 2; minus strand). Cytogenetic location: 21q22.3.
Variant type: single nucleotide variant.
Coding change: c.2125G>A on transcript NM_000211.5 (MANE Select); coding-DNA position 2125, G replaced by A.
Protein change: p.Val709Met; replaces valine 709 with methionine.
Molecular consequence: missense variant.
Genome position (GRCh38, 1-based): chr21:44,886,858, C>T on the plus strand (G>A on the coding strand, the complement: ITGB2 is on the minus strand). VCF-style: chr21-44886858-C-T. GRCh37 (hg19) VCF-style: chr21-46306773-C-T.
Other names: c.2125G>A (NM_000211.3); c.2125G>A, p.Val709Met (NM_001127491.3); c.1918G>A, p.Val640Met (NM_001303238.2); short protein forms V640M, V709M.
Identifiers: ClinVar variation 950517 (VCV000950517.8), dbSNP rs775809970, ClinGen allele CA10062548.